The following is an entry in ClinVar:

ClinVar aggregate classification (germline): Uncertain significance (1 of 4 stars; one submission).

Conditions:
Inborn genetic diseases. Identifiers: MedGen C0950123, MeSH D030342.

Submission:

Ambry Genetics
Classification: Uncertain significance for Inborn genetic diseases. Last evaluated: 2022-08-07. Review status: criteria provided, single submitter. Criteria: Ambry Variant Classification Scheme 2023. Collection method: clinical testing. Allele origin: germline.
Comment: The p.I243T variant (also known as c.728T>C), located in coding exon 6 of the BUB1B gene, results from a T to C substitution at nucleotide position 728. The isoleucine at codon 243 is replaced by threonine, an amino acid with similar properties. This amino acid position is conserved. In addition, this alteration is predicted to be tolerated by in silico analysis. Since supporting evidence is limited at this time, the clinical significance of this alteration remains unclear.

NM_001211.6(BUB1B):c.728T>C (p.Ile243Thr)

Gene: BUB1B (BUB1 mitotic checkpoint serine/threonine kinase B; plus strand). Cytogenetic location: 15q15.1.
Variant type: single nucleotide variant.
Coding change: c.728T>C on transcript NM_001211.6 (MANE Select); coding-DNA position 728, T replaced by C.
Protein change: p.Ile243Thr; replaces isoleucine 243 with threonine.
Molecular consequence: missense variant.
Genome position (GRCh38, 1-based): chr15:40,183,860, T>C. VCF-style: chr15-40183860-T-C. GRCh37 (hg19) VCF-style: chr15-40476061-T-C.
Other names: short protein forms I243T.
Identifiers: ClinVar variation 1758104 (VCV001758104.2), dbSNP rs750823062, ClinGen allele CA7475543.